The following is an entry in ClinVar:

ClinVar aggregate classification (germline): Uncertain significance (1 of 4 stars; one submission).

Submission:

Labcorp Genetics (formerly Invitae), Labcorp
Classification: Uncertain significance. Last evaluated: 2024-05-16. Review status: criteria provided, single submitter. Criteria: Invitae Variant Classification Sherloc (09022015). Collection method: clinical testing. Allele origin: germline.
Comment: This sequence change replaces glutamic acid, which is acidic and polar, with glycine, which is neutral and non-polar, at codon 169 of the EMC1 protein (p.Glu169Gly). This variant is not present in population databases (gnomAD no frequency). This variant has not been reported in the literature in individuals affected with EMC1-related conditions. An algorithm developed to predict the effect of missense changes on protein structure and function (PolyPhen-2) suggests that this variant is likely to be disruptive. In summary, the available evidence is currently insufficient to determine the role of this variant in disease. Therefore, it has been classified as a Variant of Uncertain Significance.

NM_015047.3(EMC1):c.506A>G (p.Glu169Gly)

Gene: EMC1 (ER membrane protein complex subunit 1; minus strand). Cytogenetic location: 1p36.13.
Variant type: single nucleotide variant.
Coding change: c.506A>G on transcript NM_015047.3 (MANE Select); coding-DNA position 506, A replaced by G.
Protein change: p.Glu169Gly; replaces glutamic acid 169 with glycine.
Molecular consequence: missense variant.
Genome position (GRCh38, 1-based): chr1:19,242,348, T>C on the plus strand (A>G on the coding strand, the complement: EMC1 is on the minus strand). VCF-style: chr1-19242348-T-C. GRCh37 (hg19) VCF-style: chr1-19568842-T-C.
Other names: c.506A>G, p.Glu169Gly (NM_001271427.2, NM_001271428.2, NM_001375820.1 and 1 more transcripts); c.440A>G, p.Glu147Gly (NM_001271429.2); short protein forms E169G, E147G.
Identifiers: ClinVar variation 3653630 (VCV003653630.2).